The following is an entry in ClinVar:

NM_004586.3(RPS6KA3):c.442G>A (p.Asp148Asn)

Gene: RPS6KA3 (ribosomal protein S6 kinase A3; minus strand). Cytogenetic location: Xp22.12.
Variant type: single nucleotide variant.
Coding change: c.442G>A on transcript NM_004586.3 (MANE Select); coding-DNA position 442, G replaced by A.
Protein change: p.Asp148Asn; replaces aspartic acid 148 with asparagine.
Molecular consequence: missense variant.
Genome position (GRCh38, 1-based): chrX:20,194,233, C>T on the plus strand (G>A on the coding strand, the complement: RPS6KA3 is on the minus strand). VCF-style: chrX-20194233-C-T. GRCh37 (hg19) VCF-style: chrX-20212351-C-T.
Other names: c.358G>A, p.Asp120Asn (NM_001438340.1); short protein forms D120N, D148N.
Identifiers: ClinVar variation 4988418 (VCV004988418.1).

ClinVar aggregate classification (germline): Likely pathogenic (1 of 4 stars; one submission).

Conditions:
RPS6KA3-related disorder. Also called: RPS6KA3-related condition.

Submission:

PreventionGenetics, part of Exact Sciences
Classification: Likely pathogenic for RPS6KA3-related condition. Last evaluated: 2025-02-03. Review status: criteria provided, single submitter. Criteria: ACMG Guidelines, 2015. Collection method: clinical testing. Allele origin: germline.
Comment: The RPS6KA3 c.442G>A variant is predicted to result in the amino acid substitution p.Asp148Asn. To our knowledge, this variant has not been reported in the literature or in a large population database (gnomAD), indicating this variant is rare. This variant was detected in the hemizygous state in two brothers with neurocognitive delays, in the heterozygous state in their unaffected mother, and was not detected in two additional unaffected brothers (Internal Data, PreventionGenetics). An alternate missense change at the same amino acid position has been reported as likely pathogenic in an affected individual in ClinVar (p.Asp148Val). This variant is interpreted as likely pathogenic.